The following is an entry in ClinVar:

ClinVar aggregate classification (germline): Likely benign. Review status: reviewed by expert panel (3 of 4 stars). 4 submissions from 4 submitters: Likely benign (1). 3 of the submissions do not count toward it. Last evaluated 2017-06-29.

Conditions:
Hereditary breast ovarian cancer syndrome. Also called: Hereditary breast and ovarian cancer; Breast and ovarian cancer; BRCA1- and BRCA2-Associated Hereditary Breast and Ovarian Cancer; Hereditary breast and ovarian cancer syndrome; Hereditary breast and ovarian cancer syndrome (HBOC); Hereditary breast and/or ovarian cancer syndrome. Identifiers: Orphanet 145, MedGen C0677776, MeSH D061325, MONDO:0003582. Disease mechanism: loss of function.
Hereditary cancer-predisposing syndrome. Also called: Tumor predisposition; Hereditary Cancer Syndrome; Hereditary neoplastic syndrome; Neoplastic Syndromes, Hereditary. Identifiers: Orphanet 140162, MedGen C0027672, MeSH D009386, MONDO:0015356.
Breast-ovarian cancer, familial, susceptibility to, 2 (BROVCA2). Also called: BRCA2 Hereditary Breast and Ovarian Cancer. Identifiers: Orphanet 145, MedGen C2675520, MONDO:0012933, OMIM 612555. Disease mechanism: loss of function.

gnomAD v4.1: 1 of 1,614,050 alleles (0.000062%); highest among the groups gnomAD compares: Non-Finnish European, 0.000085%; no homozygotes.

Submissions (4):

Evidence-based Network for the Interpretation of Germline Mutant Alleles (ENIGMA)
Classification: Likely benign for Breast-ovarian cancer, familial, susceptibility to, 2. Last evaluated: 2017-06-29. Review status: reviewed by expert panel. Criteria: ENIGMA BRCA1/2 Classification Criteria (2017-06-29). Collection method: curation. Allele origin: germline.
Comment: Synonymous substitution variant, with low bioinformatic likelihood to result in a splicing aberration (Splicing prior probability 0.02).

Labcorp Genetics (formerly Invitae), Labcorp
Classification: Likely benign for Hereditary breast ovarian cancer syndrome. Last evaluated: 2025-09-30. Review status: criteria provided, single submitter. Criteria: Invitae Variant Classification Sherloc (09022015). Collection method: clinical testing. Allele origin: germline. Not counted in ClinVar's aggregate classification.

All of Us Research Program, National Institutes of Health
Classification: Likely benign for Breast-ovarian cancer, familial, susceptibility to, 2. Last evaluated: 2023-09-17. Review status: criteria provided, single submitter. Criteria: ACMG Guidelines, 2015. Collection method: clinical testing. Allele origin: germline. Inheritance: Autosomal dominant inheritance. Observed: 1 variant allele, 1 heterozygote. Not counted in ClinVar's aggregate classification.
Comment: This study involves interpretation of variants in research participants for the purpose of population health screening. Participant phenotype was not available at the time of variant classification. Additional details can be found in publication PMID: 35346344, PMCID: PMC8962531

Ambry Genetics
Classification: Likely benign for Hereditary cancer-predisposing syndrome. Last evaluated: 2015-10-01. Review status: criteria provided, single submitter. Criteria: Ambry Variant Classification Scheme 2023. Collection method: clinical testing. Allele origin: germline. Not counted in ClinVar's aggregate classification.

NM_000059.4(BRCA2):c.3516G>T (p.Ser1172=)

Gene: BRCA2 (BRCA2 DNA repair associated; plus strand). Cytogenetic location: 13q13.1.
Variant type: single nucleotide variant.
Coding change: c.3516G>T on transcript NM_000059.4 (MANE Select); coding-DNA position 3516, G replaced by T.
Protein change: p.Ser1172=; no amino-acid change (serine 1172 retained).
Molecular consequence: synonymous variant.
Genome position (GRCh38, 1-based): chr13:32,337,871, G>T. VCF-style: chr13-32337871-G-T. GRCh37 (hg19) VCF-style: chr13-32912008-G-T.
Identifiers: ClinVar variation 234008 (VCV000234008.16), dbSNP rs1799952, ClinGen allele CA10579580.